The following is an entry in ClinVar:

ClinVar aggregate classification (germline): Uncertain significance (1 of 4 stars; one submission).

Conditions:
Wilson disease (WND). Also called: Wilson's disease. Identifiers: Orphanet 905, MedGen C0019202, MONDO:0010200, OMIM 277900. Disease mechanism: loss of function.

gnomAD v4.1: 2 of 1,614,072 alleles (0.00012%); highest among the groups gnomAD compares: East Asian, 0.0045%; no homozygotes.

Submission:

All of Us Research Program, National Institutes of Health
Classification: Uncertain significance for Wilson disease. Last evaluated: 2024-04-25. Review status: criteria provided, single submitter. Criteria: ACMG Guidelines, 2015. Collection method: clinical testing. Allele origin: germline. Inheritance: Autosomal recessive inheritance. Observed: 1 variant allele, 1 heterozygote.
Comment: This missense variant replaces glycine with arginine at codon 333 of the ATP7B protein. Computational prediction suggests that this variant may not impact protein structure and function. To our knowledge, functional studies have not been reported for this variant. This variant has been reported in an individual affected with Wilson disease in compound heterozygosity with a variant of uncertain significance (PMID: 17264425). This variant has been identified in 1/249356 chromosomes in the general population by the Genome Aggregation Database (gnomAD). The available evidence is insufficient to determine the role of this variant in disease conclusively. Therefore, this variant is classified as a Variant of Uncertain Significance.

This study involves interpretation of variants in research participants for the purpose of population health screening. Participant phenotype was not available at the time of variant classification. Additional details can be found in publication PMID: 35346344, PMCID: PMC8962531

Literature cited by the submitters: PubMed 17264425.

NM_000053.4(ATP7B):c.997G>A (p.Gly333Arg)

Gene: ATP7B (ATPase copper transporting beta; minus strand). Cytogenetic location: 13q14.3.
Variant type: single nucleotide variant.
Coding change: c.997G>A on transcript NM_000053.4 (MANE Select); coding-DNA position 997, G replaced by A.
Protein change: p.Gly333Arg; replaces glycine 333 with arginine.
Molecular consequence: missense variant. On other transcripts: intron variant (2).
Genome position (GRCh38, 1-based): chr13:51,974,223, C>T on the plus strand (G>A on the coding strand, the complement: ATP7B is on the minus strand). VCF-style: chr13-51974223-C-T. GRCh37 (hg19) VCF-style: chr13-52548359-C-T.
Other names: c.997G>A, p.Gly333Arg (NM_001005918.3, NM_001330578.2, NM_001330579.2 and 29 more transcripts); c.803-139G>A (NM_001243182.2); c.707-139G>A (NM_001406539.1); c.901G>A, p.Gly301Arg (NM_001406517.1, NM_001406518.1, NM_001406536.1 and 3 more transcripts); short protein forms G301R, G333R.
Identifiers: ClinVar variation 3385741 (VCV003385741.1).
Genomic context (GRCh38, chr13:51,974,223, plus strand): 5'-GGTTTCTCGGTGGGGAGCCAGGGGAATGAGAACTGGAAGACCTGTGATCTGTCCCACTCC[C>T]TTCGGCTCCATCAGGAAGAGAAACTTTAAAATTCCCAGGTGGAAGTGCCTCGATAGCCCT-3'
Protein context (NP_000044.2, residues 323-343): FKVSLPDGAE[Gly333Arg]SGTDHRSSSS